The following is an entry in ClinVar:

NM_001035.3(RYR2):c.8895+6G>T

Gene: RYR2 (ryanodine receptor 2; plus strand). Cytogenetic location: 1q43.
Variant type: single nucleotide variant.
Coding change: c.8895+6G>T on transcript NM_001035.3 (MANE Select); 6 bases into the intron after coding-DNA position 8895, G replaced by T.
Molecular consequence: intron variant.
Genome position (GRCh38, 1-based): chr1:237,678,118, G>T. VCF-style: chr1-237678118-G-T. GRCh37 (hg19) VCF-style: chr1-237841418-G-T.
Identifiers: ClinVar variation 1332368 (VCV001332368.2), dbSNP rs1419551037, ClinGen allele CA529550650.

ClinVar aggregate classification (germline): Uncertain significance (1 of 4 stars; one submission).

Conditions:
Cardiomyopathy (CMYO). Also called: Cardiomyopathies. Identifiers: Orphanet 167848, MedGen C0878544, MONDO:0004994, HP:0001638. Inheritance: Various modes of inheritance.

Allele frequency attached by ClinVar (database versions not stated): gnomAD exomes below 0.00001.

Submission:

Color Diagnostics, LLC DBA Color Health
Classification: Uncertain significance for Cardiomyopathy. Last evaluated: 2021-03-16. Review status: criteria provided, single submitter. Criteria: ACMG Guidelines, 2015. Collection method: clinical testing. Allele origin: germline.
Comment: This variant causes a G to T nucleotide substitution at the +6 position of intron 61 of the RYR2 gene. Splice prediction tools and conservation analysis are inconclusive regarding the impact of this variant on RNA splicing. To our knowledge, functional studies have not been reported for this variant. This variant has not been reported in individuals affected with cardiovascular disorders in the literature. This variant has been identified in 1/230278 chromosomes in the general population by the Genome Aggregation Database (gnomAD). The available evidence is insufficient to determine the role of this variant in disease conclusively. Therefore, this variant is classified as a Variant of Uncertain Significance.